The following is an entry in ClinVar:

NM_001197104.2(KMT2A):c.5552T>G (p.Ile1851Ser)

Gene: KMT2A (lysine methyltransferase 2A; plus strand). Cytogenetic location: 11q23.3.
Variant type: single nucleotide variant.
Coding change: c.5552T>G on transcript NM_001197104.2 (MANE Select); coding-DNA position 5552, T replaced by G.
Protein change: p.Ile1851Ser; replaces isoleucine 1851 with serine.
Molecular consequence: missense variant.
Genome position (GRCh38, 1-based): chr11:118,495,888, T>G. VCF-style: chr11-118495888-T-G. GRCh37 (hg19) VCF-style: chr11-118366603-T-G.
Other names: c.5642T>G, p.Ile1881Ser (NM_001412597.1); c.5543T>G, p.Ile1848Ser (NM_005933.4); short protein forms I1848S, I1851S, I1881S.
Identifiers: ClinVar variation 2904309 (VCV002904309.5), dbSNP rs1555043850, ClinGen allele CA382839260.

ClinVar aggregate classification (germline): Uncertain significance. Review status: criteria provided, multiple submitters, no conflicts (2 of 4 stars). 3 submissions from 3 submitters: Uncertain significance (3). Last evaluated 2025-12-23.

Conditions:
Inborn genetic diseases. Identifiers: MedGen C0950123, MeSH D030342.
Wiedemann-Steiner syndrome (WDSTS). Also called: Growth deficiency and mental retardation with facial dysmorphism. Identifiers: Orphanet 319182, MedGen C1854630, MONDO:0011518, OMIM 605130.

Allele frequency attached by ClinVar (database versions not stated): gnomAD exomes below 0.00001; gnomAD 0.00001.
gnomAD v4.1: 2 of 1,601,080 alleles (0.00012%); highest among the groups gnomAD compares: Admixed American, 0.0017%; no homozygotes.

Submissions (3):

Labcorp Genetics (formerly Invitae), Labcorp
Classification: Uncertain significance. Last evaluated: 2025-12-23. Review status: criteria provided, single submitter. Criteria: Invitae Variant Classification Sherloc (09022015). Collection method: clinical testing. Allele origin: germline.
Comment: This sequence change replaces isoleucine, which is neutral and non-polar, with serine, which is neutral and polar, at codon 1851 of the KMT2A protein (p.Ile1851Ser). This variant is present in population databases (no rsID available, gnomAD 0.1%). This variant has not been reported in the literature in individuals affected with KMT2A-related conditions. ClinVar contains an entry for this variant (Variation ID: 2904309). Invitae Evidence Modeling of protein sequence and biophysical properties (such as structural, functional, and spatial information, amino acid conservation, physicochemical variation, residue mobility, and thermodynamic stability) indicates that this missense variant is not expected to disrupt KMT2A protein function with a negative predictive value of 95%. In summary, the available evidence is currently insufficient to determine the role of this variant in disease. Therefore, it has been classified as a Variant of Uncertain Significance.

Ambry Genetics
Classification: Uncertain significance for Inborn genetic diseases. Last evaluated: 2025-08-06. Review status: criteria provided, single submitter. Criteria: Ambry Variant Classification Scheme 2023. Collection method: clinical testing. Allele origin: germline.

Laboratorio de Genetica e Diagnostico Molecular, Hospital Israelita Albert Einstein
Classification: Uncertain significance for Wiedemann-Steiner syndrome. Last evaluated: 2023-01-20. Review status: criteria provided, single submitter. Criteria: ACMG Guidelines, 2015. Collection method: clinical testing. Allele origin: germline. Affected: yes.
Comment: ACMG classification criteria: PM2 moderate, PP2 supporting, BP4 supporting